The following is an entry in ClinVar:

ClinVar aggregate classification (germline): Uncertain significance. Review status: criteria provided, multiple submitters, no conflicts (2 of 4 stars). 4 submissions from 4 submitters: Uncertain significance (4). Last evaluated 2024-02-05.

Conditions:
Hereditary spastic paraplegia. Also called: Familial spastic paraparesis. Identifiers: Orphanet 685, MedGen C0037773, MONDO:0019064. Disease mechanism: loss of function.
Hereditary spastic paraplegia 7 (SPG7). Also called: SPG7-related neurologic disorder; Spastic paraplegia 7; Hereditary spastic paraplegia Paraplegin type; Autosomal recessive spastic paraplegia type 7; SPASTIC PARAPLEGIA 7, AUTOSOMAL RECESSIVE, WITH OR WITHOUT CEREBELLAR ATAXIA. Identifiers: Orphanet 99013, MedGen C1846564, MONDO:0011803, OMIM 607259.

gnomAD v4.1: 25 of 1,508,144 alleles (0.0017%); highest among the groups gnomAD compares: Non-Finnish European, 0.002%; no homozygotes.

Submissions (4):

Blueprint Genetics
Classification: Uncertain significance. Last evaluated: 2024-02-05. Review status: criteria provided, single submitter. Criteria: ACMG Guidelines, 2015. Collection method: clinical testing. Allele origin: germline.

Labcorp Genetics (formerly Invitae), Labcorp
Classification: Uncertain significance for Hereditary spastic paraplegia 7. Last evaluated: 2024-01-24. Review status: criteria provided, single submitter. Criteria: Invitae Variant Classification Sherloc (09022015). Collection method: clinical testing. Allele origin: germline.
Comment: This sequence change replaces proline, which is neutral and non-polar, with arginine, which is basic and polar, at codon 17 of the SPG7 protein (p.Pro17Arg). This variant is not present in population databases (gnomAD no frequency). This variant has not been reported in the literature in individuals affected with SPG7-related conditions. ClinVar contains an entry for this variant (Variation ID: 1344138). Advanced modeling of protein sequence and biophysical properties (such as structural, functional, and spatial information, amino acid conservation, physicochemical variation, residue mobility, and thermodynamic stability) performed at Invitae indicates that this missense variant is not expected to disrupt SPG7 protein function with a negative predictive value of 95%. In summary, the available evidence is currently insufficient to determine the role of this variant in disease. Therefore, it has been classified as a Variant of Uncertain Significance.

GeneDx
Classification: Uncertain significance. Last evaluated: 2022-02-11. Review status: criteria provided, single submitter. Criteria: GeneDx Variant Classification Process June 2021. Collection method: clinical testing. Allele origin: germline. Affected: yes.
Comment: Has not been previously published as pathogenic or benign to our knowledge; Not observed at significant frequency in large population cohorts (gnomAD); In silico analysis supports that this missense variant does not alter protein structure/function

Genome Diagnostics Laboratory, The Hospital for Sick Children
Classification: Uncertain significance for Hereditary spastic paraplegia. Last evaluated: 2020-11-25. Review status: criteria provided, single submitter. Criteria: ACMG Guidelines, 2015. Collection method: clinical testing. Allele origin: germline. Affected: yes.

NM_003119.4(SPG7):c.50C>G (p.Pro17Arg)

Genes: SPG7 (SPG7 matrix AAA peptidase subunit, paraplegin; plus strand), LOC130059818 (ATAC-STARR-seq lymphoblastoid silent region 7911; plus strand). Cytogenetic location: 16q24.3.
Variant type: single nucleotide variant.
Coding change: c.50C>G on transcript NM_003119.4 (MANE Select); coding-DNA position 50, C replaced by G.
Protein change: p.Pro17Arg; replaces proline 17 with arginine.
Molecular consequence: missense variant.
Genome position (GRCh38, 1-based): chr16:89,508,467, C>G. VCF-style: chr16-89508467-C-G. GRCh37 (hg19) VCF-style: chr16-89574875-C-G.
Other names: c.50C>G, p.Pro17Arg (NM_001363850.1, NM_199367.3); short protein forms P17R.
Identifiers: ClinVar variation 1344138 (VCV001344138.12), dbSNP rs956304326, ClinGen allele CA397415890.
Genomic context (GRCh38, chr16:89,508,467, plus strand): 5'-TTCAGGCCAACATGGCCGTGCTGCTGCTGCTGCTCCGTGCCCTCCGCCGGGGTCCAGGCC[C>G]GGGTCCTCGGCCGCTGTGGGGCCCAGGCCCGGCCTGGAGTCCAGGGTTCCCCGCCAGGCC-3'
Protein context (NP_003110.1, residues 7-27): LLRALRRGPG[Pro17Arg]GPRPLWGPGP